The following is an entry in ClinVar:

NM_007294.4(BRCA1):c.5076T>G (p.Asp1692Glu)

Gene: BRCA1 (BRCA1 DNA repair associated; minus strand). Cytogenetic location: 17q21.31.
Variant type: single nucleotide variant.
Coding change: c.5076T>G on transcript NM_007294.4 (MANE Select); coding-DNA position 5076, T replaced by G.
Protein change: p.Asp1692Glu; replaces aspartic acid 1692 with glutamic acid.
Molecular consequence: missense variant. On other transcripts: non-coding transcript variant (1).
Genome position (GRCh38, 1-based): chr17:43,063,950, A>C on the plus strand (T>G on the coding strand, the complement: BRCA1 is on the minus strand). VCF-style: chr17-43063950-A-C. GRCh37 (hg19) VCF-style: chr17-41215967-A-C.
Other names: c.4932T>G, p.Asp1644Glu (NM_001407738.1, NM_001407739.1, NM_001407740.1 and 21 more transcripts); c.4929T>G, p.Asp1643Glu (NM_001407843.1, NM_001407844.1, NM_001407845.1 and 12 more transcripts); c.4866T>G, p.Asp1622Glu (NM_001407879.1, NM_001407881.1, NM_001407882.1 and 5 more transcripts); c.4863T>G, p.Asp1621Glu (NM_001407894.1, NM_001407908.1, NM_001407909.1 and 12 more transcripts); c.4860T>G, p.Asp1620Glu (NM_001407915.1, NM_001407916.1, NM_001407917.1 and 1 more transcripts); c.4953T>G, p.Asp1651Glu (NM_001407919.1, NM_001407937.1, NM_001407938.1 and 6 more transcripts); c.4812T>G, p.Asp1604Glu (NM_001407920.1, NM_001407921.1, NM_001407922.1 and 4 more transcripts); c.4809T>G, p.Asp1603Glu (NM_001407931.1, NM_001407932.1, NM_001407933.1 and 4 more transcripts); and 71 more; short protein forms D1645E, D1713E, D1692E, D588E, D1564E, D1580E, D1604E, D1625E.
Identifiers: ClinVar variation 864926 (VCV000864926.4), dbSNP rs2051937547, ClinGen allele CA10591371.
Genomic context (GRCh38, chr17:43,063,950, plus strand): 5'-CCATTTTCCTCCCGCAATTCCTAGAAAATATTTCAGTGTCCGTTCACACACAAACTCAGC[A>C]TCTGCAGAATGAAAAACACTCAAAGGATTAGAAGTTGAAAACAAAATCAGGAAGTGCTGT-3'
Protein context (NP_009225.1, residues 1682-1702): EETTHVVMKT[Asp1692Glu]AEFVCERTLK

Conditions:
Breast-ovarian cancer, familial, susceptibility to, 1 (BROVCA1). Also called: BRCA1 Hereditary Breast and Ovarian Cancer; OVARIAN CANCER, SUSCEPTIBILITY TO. Identifiers: Orphanet 145, MedGen C2676676, MONDO:0011450, OMIM 604370. Disease mechanism: loss of function.

Submission:

Brotman Baty Institute, University of Washington
No classification provided (evidence only). Condition: Breast-ovarian cancer, familial 1. Review status: no classification provided. Collection method: in vitro. Allele origin: not applicable. Functional consequence: functionally_abnormal.
ClinVar note: "not provided" was previously submitted as the classification for the variant. However, the classification appeared to be based only on an observation of functional data so it was converted to no classification on 2025-07-30.